The following is an entry in ClinVar:

NM_001042424.3(NSD2):c.3497T>C (p.Val1166Ala)

Gene: NSD2 (nuclear receptor binding SET domain protein 2; plus strand). Cytogenetic location: 4p16.3.
Variant type: single nucleotide variant.
Coding change: c.3497T>C on transcript NM_001042424.3 (MANE Select); coding-DNA position 3497, T replaced by C.
Protein change: p.Val1166Ala; replaces valine 1166 with alanine.
Molecular consequence: missense variant.
Genome position (GRCh38, 1-based): chr4:1,974,987, T>C. VCF-style: chr4-1974987-T-C. GRCh37 (hg19) VCF-style: chr4-1976714-T-C.
Other names: c.3497T>C, p.Val1166Ala (NM_001440892.1, NM_133330.3, NM_133331.3 and 1 more transcripts); c.3596T>C, p.Val1199Ala (NM_001440893.1); c.3380T>C, p.Val1127Ala (NM_001440894.1); c.3350T>C, p.Val1117Ala (NM_001440895.1); c.3296T>C, p.Val1099Ala (NM_001440896.1); c.3290T>C, p.Val1097Ala (NM_001440897.1); c.3173T>C, p.Val1058Ala (NM_001440898.1); c.2528T>C, p.Val843Ala (NM_001440899.1, NM_001440900.1); short protein forms V1099A, V1097A, V1117A, V1127A, V1199A, V843A, V1058A, V1166A.
Identifiers: ClinVar variation 5008676 (VCV005008676.1).

ClinVar aggregate classification (germline): Uncertain significance (1 of 4 stars; one submission).

Submission:

GeneDx
Classification: Uncertain significance. Last evaluated: 2026-03-17. Review status: criteria provided, single submitter. Criteria: GeneDx Variant Classification Process June 2021. Collection method: clinical testing. Allele origin: germline.
Comment: Not observed at significant frequency in large population cohorts (gnomAD); In silico analysis supports that this missense variant has a deleterious effect on protein structure/function; Has not been previously published as pathogenic or benign to our knowledge